The following is an entry in ClinVar:

NM_024642.5(GALNT12):c.-4_-3delinsA

Gene: GALNT12 (polypeptide N-acetylgalactosaminyltransferase 12; plus strand). Cytogenetic location: 9q22.33.
Variant type: Indel.
Coding change: c.-4_-3delinsA on transcript NM_024642.5 (MANE Select); 4 bases upstream of the start codon through 3 bases upstream of the start codon, GC replaced by A.
Molecular consequence: 5 prime UTR variant.
Genome position (GRCh38, 1-based): chr9:98,807,695-98,807,696, GC replaced by A. VCF-style: chr9-98807695-GC-A. GRCh37 (hg19) VCF-style: chr9-101569977-GC-A.
Identifiers: ClinVar variation 824489 (VCV000824489.4), dbSNP rs1588436012, ClinGen allele CA915947112.

ClinVar aggregate classification (germline): Uncertain significance (1 of 4 stars; one submission).

Submission:

Ambry Genetics
Classification: Uncertain significance. Last evaluated: 2019-03-12. Review status: criteria provided, single submitter. Criteria: Ambry Variant Classification Scheme 2023. Collection method: clinical testing. Allele origin: germline.
Comment: The c.-4_-3delGCinsA variant is located in in the 5' untranslated region (5&rsquo;UTR) of the GALNT12 gene. This variant results from the deletion of two nucleotides (GC) and the insertion of one nucleotide (A) at positions -4 to -3, upstream from the first translated codon. These nucleotide positions are well conserved in available vertebrate species. Since supporting evidence is limited at this time, the clinical significance of this alteration remains unclear.